The following is an entry in ClinVar:

ClinVar aggregate classification (germline): Likely benign (0 of 4 stars; one submission).

Conditions:
KIF21A-related disorder. Also called: KIF21A-related condition.

Submission:

PreventionGenetics, part of Exact Sciences
Classification: Likely benign for KIF21A-related condition. Last evaluated: 2019-03-05. Review status: no assertion criteria provided. Collection method: clinical testing. Allele origin: germline.
Comment: This variant is classified as likely benign based on ACMG/AMP sequence variant interpretation guidelines (Richards et al. 2015 PMID: 25741868, with internal and published modifications).

NM_001173464.2(KIF21A):c.3779+8A>G

Gene: KIF21A (kinesin family member 21A; minus strand). Cytogenetic location: 12q12.
Variant type: single nucleotide variant.
Coding change: c.3779+8A>G on transcript NM_001173464.2 (MANE Select); 8 bases into the intron after coding-DNA position 3779, A replaced by G.
Molecular consequence: intron variant.
Genome position (GRCh38, 1-based): chr12:39,319,898, T>C on the plus strand (A>G on the coding strand, the complement: KIF21A is on the minus strand). VCF-style: chr12-39319898-T-C. GRCh37 (hg19) VCF-style: chr12-39713700-T-C.
Other names: c.3671+8A>G (NM_001173465.2); c.3719+8A>G (NM_001173463.2); c.3740+8A>G (NM_017641.4, NM_001378441.1); c.3779+8A>G (NM_001378440.1, NM_001378439.1).
Identifiers: ClinVar variation 3058581 (VCV003058581.2), dbSNP rs1945018813, ClinGen allele CA2030505398.